The following is an entry in ClinVar:

NM_005559.4(LAMA1):c.3421G>T (p.Ala1141Ser)

Gene: LAMA1 (laminin subunit alpha 1; minus strand). Cytogenetic location: 18p11.31.
Variant type: single nucleotide variant.
Coding change: c.3421G>T on transcript NM_005559.4 (MANE Select); coding-DNA position 3421, G replaced by T.
Protein change: p.Ala1141Ser; replaces alanine 1141 with serine.
Molecular consequence: missense variant.
Genome position (GRCh38, 1-based): chr18:7,012,081, C>A on the plus strand (G>T on the coding strand, the complement: LAMA1 is on the minus strand). VCF-style: chr18-7012081-C-A. GRCh37 (hg19) VCF-style: chr18-7012080-C-A.
Other names: c.3421G>T (NM_005559.3); short protein forms A1141S.
Identifiers: ClinVar variation 1930383 (VCV001930383.6), dbSNP rs562297545, ClinGen allele CA8882293.
Genomic context (GRCh38, chr18:7,012,081, plus strand): 5'-CTGAGCAGAGGTGGGACAGCCCGGAGCAGAAGCACGGGCTGCAGCCCAGGGGGTTGTCTG[C>A]GCGGAGAGCGAAGGTGCCCTCTCGACATTCGTTGCACTGAGGACCAAAGACATTTTCCTA-3'
Protein context (NP_005550.2, residues 1131-1151): ECREGTFALR[Ala1141Ser]DNPLGCSPCF

ClinVar aggregate classification (germline): Uncertain significance. Review status: criteria provided, multiple submitters, no conflicts (2 of 4 stars). 2 submissions from 2 submitters: Uncertain significance (2). Last evaluated 2023-11-06.

Conditions:
Inborn genetic diseases. Identifiers: MedGen C0950123, MeSH D030342.

Allele frequency attached by ClinVar (database versions not stated): gnomAD 0.00001; ExAC 0.00010; 1000 Genomes Project 30x 0.00016; 1000 Genomes Project 0.00020.
gnomAD v4.1: 11 of 1,613,162 alleles (0.00068%); highest among the groups gnomAD compares: East Asian, 0.022%; no homozygotes.

Submissions (2):

Ambry Genetics
Classification: Uncertain significance for Inborn genetic diseases. Last evaluated: 2023-11-06. Review status: criteria provided, single submitter. Criteria: Ambry Variant Classification Scheme 2023. Collection method: clinical testing. Allele origin: germline.

Labcorp Genetics (formerly Invitae), Labcorp
Classification: Uncertain significance. Last evaluated: 2022-03-23. Review status: criteria provided, single submitter. Criteria: Invitae Variant Classification Sherloc (09022015). Collection method: clinical testing. Allele origin: germline.
Comment: In summary, the available evidence is currently insufficient to determine the role of this variant in disease. Therefore, it has been classified as a Variant of Uncertain Significance. Algorithms developed to predict the effect of missense changes on protein structure and function (SIFT, PolyPhen-2, Align-GVGD) all suggest that this variant is likely to be tolerated. This variant has not been reported in the literature in individuals affected with LAMA1-related conditions. This variant is present in population databases (rs562297545, gnomAD 0.1%). This sequence change replaces alanine, which is neutral and non-polar, with serine, which is neutral and polar, at codon 1141 of the LAMA1 protein (p.Ala1141Ser).